The following is an entry in ClinVar:

ClinVar aggregate classification (germline): Uncertain significance (1 of 4 stars; one submission).

Conditions:
Neurodevelopmental disorder with hypotonia and brain abnormalities. Identifiers: MedGen C5561977, MONDO:0859187, OMIM 619512.

Allele frequency attached by ClinVar (database versions not stated): gnomAD 0.00001; ExAC 0.00001; gnomAD exomes below 0.00001; TOPMed below 0.00001.
gnomAD v4.1: 3 of 1,613,486 alleles (0.00019%); highest among the groups gnomAD compares: African/African-American, 0.0013%; no homozygotes.

Submission:

3billion
Classification: Uncertain significance for Neurodevelopmental disorder with hypotonia and brain abnormalities. Last evaluated: 2022-05-22. Review status: criteria provided, single submitter. Criteria: ACMG Guidelines, 2015. Collection method: clinical testing. Allele origin: germline. Affected: yes. Observed: 1 heterozygote.
Comment: The variant is observed at an extremely low frequency in the gnomAD v2.1.1 dataset (total allele frequency: <0.001%). Missense changes are a common disease-causing mechanism. The variant is in trans with the NM_001829.4:c.466C>G variant. Therefore, this variant is classified as uncertain significanceaccording to the recommendation of ACMG/AMP guideline.

NM_001829.4(CLCN3):c.491C>T (p.Ala164Val)

Gene: CLCN3 (chloride voltage-gated channel 3; plus strand). Cytogenetic location: 4q33.
Variant type: single nucleotide variant.
Coding change: c.491C>T on transcript NM_001829.4 (MANE Select); coding-DNA position 491, C replaced by T.
Protein change: p.Ala164Val; replaces alanine 164 with valine.
Molecular consequence: missense variant.
Genome position (GRCh38, 1-based): chr4:169,689,115, C>T. VCF-style: chr4-169689115-C-T. GRCh37 (hg19) VCF-style: chr4-170610266-C-T.
Other names: c.491C>T, p.Ala164Val (NM_001243372.2, NM_173872.4); c.410C>T, p.Ala137Val (NM_001243374.2); short protein forms A137V, A164V.
Identifiers: ClinVar variation 1687158 (VCV001687158.1), dbSNP rs755931467, ClinGen allele CA3138280.
Genomic context (GRCh38, chr4:169,689,115, plus strand): 5'-GATTAATAGACATTGCTGCCGATTGGATGACTGACCTAAAGGAGGGCATTTGCCTTAGTG[C>T]GTTGTGGTACAACCACGAACAGTGCTGTTGGGGATCTAATGAAACAACATTTGAAGAGAG-3'
Protein context (NP_001820.2, residues 154-174): TDLKEGICLS[Ala164Val]LWYNHEQCCW